The following is an entry in ClinVar:

NM_016507.4(CDK12):c.4244T>C (p.Val1415Ala)

Gene: CDK12 (cyclin dependent kinase 12; plus strand). Cytogenetic location: 17q12.
Variant type: single nucleotide variant.
Coding change: c.4244T>C on transcript NM_016507.4 (MANE Select); coding-DNA position 4244, T replaced by C.
Protein change: p.Val1415Ala; replaces valine 1415 with alanine.
Molecular consequence: missense variant.
Genome position (GRCh38, 1-based): chr17:39,531,087, T>C. VCF-style: chr17-39531087-T-C. GRCh37 (hg19) VCF-style: chr17-37687340-T-C.
Other names: c.4217T>C, p.Val1406Ala (NM_015083.4); short protein forms V1406A, V1415A.
Identifiers: ClinVar variation 4651450 (VCV004651450.1).

ClinVar aggregate classification (germline): Uncertain significance (1 of 4 stars; one submission).

Submission:

Ambry Genetics
Classification: Uncertain significance. Last evaluated: 2025-11-19. Review status: criteria provided, single submitter. Criteria: Ambry Variant Classification Scheme 2023. Collection method: clinical testing. Allele origin: germline.
Comment: The p.V1415A variant (also known as c.4244T>C), located in coding exon 14 of the CDK12 gene, results from a T to C substitution at nucleotide position 4244. The valine at codon 1415 is replaced by alanine, an amino acid with similar properties. This amino acid position is conserved. In addition, this alteration is predicted to be tolerated by in silico analysis. Based on the available evidence, the clinical significance of this variant remains unclear.